The following is an entry in ClinVar:

NM_001184.4(ATR):c.2867A>T (p.Asn956Ile)

Gene: ATR (ATR checkpoint kinase; minus strand). Cytogenetic location: 3q23.
Variant type: single nucleotide variant.
Coding change: c.2867A>T on transcript NM_001184.4 (MANE Select); coding-DNA position 2867, A replaced by T.
Protein change: p.Asn956Ile; replaces asparagine 956 with isoleucine.
Molecular consequence: missense variant.
Genome position (GRCh38, 1-based): chr3:142,550,241, T>A on the plus strand (A>T on the coding strand, the complement: ATR is on the minus strand). VCF-style: chr3-142550241-T-A. GRCh37 (hg19) VCF-style: chr3-142269083-T-A.
Other names: c.2867A>T (NM_001184.3); c.2675A>T, p.Asn892Ile (NM_001354579.2); short protein forms N892I, N956I.
Identifiers: ClinVar variation 1919004 (VCV001919004.7), dbSNP rs2473367350, ClinGen allele CA354813104.

ClinVar aggregate classification (germline): Uncertain significance. Review status: criteria provided, multiple submitters, no conflicts (2 of 4 stars). 2 submissions from 2 submitters: Uncertain significance (2). Last evaluated 2023-09-14.

Conditions:
Inborn genetic diseases. Identifiers: MedGen C0950123, MeSH D030342.

Allele frequency attached by ClinVar (database versions not stated): gnomAD exomes below 0.00001.
gnomAD v4.1: 2 of 1,614,192 alleles (0.00012%); highest among the groups gnomAD compares: African/African-American, 0.0027%; no homozygotes.

Submissions (2):

Ambry Genetics
Classification: Uncertain significance for Inborn genetic diseases. Last evaluated: 2023-09-14. Review status: criteria provided, single submitter. Criteria: Ambry Variant Classification Scheme 2023. Collection method: clinical testing. Allele origin: germline.
Comment: The p.N956I variant (also known as c.2867A>T), located in coding exon 14 of the ATR gene, results from an A to T substitution at nucleotide position 2867. The asparagine at codon 956 is replaced by isoleucine, an amino acid with dissimilar properties. This amino acid position is conserved. In addition, this alteration is predicted to be tolerated by in silico analysis. Since supporting evidence is limited at this time, the clinical significance of this alteration remains unclear.

Labcorp Genetics (formerly Invitae), Labcorp
Classification: Uncertain significance. Last evaluated: 2022-06-24. Review status: criteria provided, single submitter. Criteria: Invitae Variant Classification Sherloc (09022015). Collection method: clinical testing. Allele origin: germline.
Comment: Algorithms developed to predict the effect of missense changes on protein structure and function (SIFT, PolyPhen-2, Align-GVGD) all suggest that this variant is likely to be tolerated. In summary, the available evidence is currently insufficient to determine the role of this variant in disease. Therefore, it has been classified as a Variant of Uncertain Significance. This variant has not been reported in the literature in individuals affected with ATR-related conditions. This variant is not present in population databases (gnomAD no frequency). This sequence change replaces asparagine, which is neutral and polar, with isoleucine, which is neutral and non-polar, at codon 956 of the ATR protein (p.Asn956Ile).